The following is an entry in ClinVar:

ClinVar aggregate classification (germline): Uncertain significance. Review status: criteria provided, multiple submitters, no conflicts (2 of 4 stars). 3 submissions from 3 submitters: Uncertain significance (3). Last evaluated 2022-06-10.

Conditions:
Inborn genetic diseases. Identifiers: MedGen C0950123, MeSH D030342.
Warburg micro syndrome 2 (WARBM2). Also called: MICRO SYNDROME 2. Identifiers: Orphanet 2510, MedGen C3280214, MONDO:0013641, OMIM 614225.
Martsolf syndrome (MARTS). Also called: Congenital cataract with intellectual disability and hypogonadotropic hypogonadism syndrome. Identifiers: Orphanet 1387, MedGen C0796037, MONDO:0023910.

Allele frequency attached by ClinVar (database versions not stated): ExAC 0.00002; gnomAD exomes 0.00002 and 0.00004; gnomAD 0.00004 and 0.00006; TOPMed 0.00012.

Submissions (3):

Labcorp Genetics (formerly Invitae), Labcorp
Classification: Uncertain significance for Martsolf syndrome; Warburg micro syndrome 2. Last evaluated: 2022-06-10. Review status: criteria provided, single submitter. Criteria: Invitae Variant Classification Sherloc (09022015). Collection method: clinical testing. Allele origin: germline.
Comment: This sequence change replaces lysine, which is basic and polar, with arginine, which is basic and polar, at codon 40 of the RAB3GAP2 protein (p.Lys40Arg). This variant is present in population databases (rs768067709, gnomAD 0.01%). This variant has not been reported in the literature in individuals affected with RAB3GAP2-related conditions. Algorithms developed to predict the effect of missense changes on protein structure and function (SIFT, PolyPhen-2, Align-GVGD) all suggest that this variant is likely to be tolerated. In summary, the available evidence is currently insufficient to determine the role of this variant in disease. Therefore, it has been classified as a Variant of Uncertain Significance.

GeneDx
Classification: Uncertain significance. Last evaluated: 2022-02-17. Review status: criteria provided, single submitter. Criteria: GeneDx Variant Classification Process June 2021. Collection method: clinical testing. Allele origin: germline. Affected: yes.
Comment: In silico analysis supports that this missense variant does not alter protein structure/function; Has not been previously published as pathogenic or benign to our knowledge

Ambry Genetics
Classification: Uncertain significance for Inborn genetic diseases. Last evaluated: 2021-08-09. Review status: criteria provided, single submitter. Criteria: Ambry Variant Classification Scheme 2023. Collection method: clinical testing. Allele origin: germline.

NM_012414.4(RAB3GAP2):c.119A>G (p.Lys40Arg)

Gene: RAB3GAP2 (RAB3 GTPase activating non-catalytic protein subunit 2; minus strand). Cytogenetic location: 1q41.
Variant type: single nucleotide variant.
Coding change: c.119A>G on transcript NM_012414.4 (MANE Select); coding-DNA position 119, A replaced by G.
Protein change: p.Lys40Arg; replaces lysine 40 with arginine.
Molecular consequence: missense variant.
Genome position (GRCh38, 1-based): chr1:220,232,860, T>C on the plus strand (A>G on the coding strand, the complement: RAB3GAP2 is on the minus strand). VCF-style: chr1-220232860-T-C. GRCh37 (hg19) VCF-style: chr1-220406202-T-C.
Other names: short protein forms K40R.
Identifiers: ClinVar variation 1342731 (VCV001342731.4), dbSNP rs768067709, ClinGen allele CA1403126.